The following is an entry in ClinVar:

ClinVar aggregate classification (germline): Conflicting classifications of pathogenicity. Review status: criteria provided, conflicting classifications (1 of 4 stars). 3 submissions from 3 submitters: Uncertain significance (2); Benign (1). Last evaluated 2024-11-02.

Conditions:
Hereditary cancer-predisposing syndrome. Also called: Tumor predisposition; Hereditary neoplastic syndrome; Neoplastic Syndromes, Hereditary; Hereditary Cancer Syndrome. Identifiers: Orphanet 140162, MedGen C0027672, MeSH D009386, MONDO:0015356.
Isolated focal cortical dysplasia type II (FCORD2). Also called: Focal cortical dysplasia type II; CORTICAL DYSPLASIA OF TAYLOR. Identifiers: Orphanet 268994, MedGen C1846385, MONDO:0011818, OMIM 607341, HP:0032051.
Tuberous sclerosis 2 (TSC2). Identifiers: Orphanet 805, MedGen C1860707, MONDO:0013199, OMIM 613254.

Allele frequency attached by ClinVar (database versions not stated): ExAC 0.00001; gnomAD 0.00001; 1000 Genomes Project 0.00020; 1000 Genomes Project 30x 0.00031.
gnomAD v4.1: 1 of 1,608,860 alleles (0.000062%); highest among the groups gnomAD compares: Admixed American, 0.0017%; no homozygotes.

Submissions (3):

Ambry Genetics
Classification: Uncertain significance for Hereditary cancer-predisposing syndrome. Last evaluated: 2024-11-02. Review status: criteria provided, single submitter. Criteria: Ambry Variant Classification Scheme 2023. Collection method: clinical testing. Allele origin: germline.
Comment: The p.I1797M variant (also known as c.5391C>G), located in coding exon 41 of the TSC2 gene, results from a C to G substitution at nucleotide position 5391. The isoleucine at codon 1797 is replaced by methionine, an amino acid with highly similar properties. This amino acid position is conserved. In addition, the in silico prediction for this alteration is inconclusive. Based on the available evidence, the clinical significance of this variant remains unclear.

Labcorp Genetics (formerly Invitae), Labcorp
Classification: Benign for Tuberous sclerosis 2. Last evaluated: 2024-06-04. Review status: criteria provided, single submitter. Criteria: Invitae Variant Classification Sherloc (09022015). Collection method: clinical testing. Allele origin: germline.

Baylor Genetics
Classification: Uncertain significance for Isolated focal cortical dysplasia type II. Last evaluated: 2023-09-13. Review status: criteria provided, single submitter. Criteria: ACMG Guidelines, 2015. Collection method: clinical testing. Allele origin: unknown.

NM_000548.5(TSC2):c.5391C>G (p.Ile1797Met)

Gene: TSC2 (TSC complex subunit 2; plus strand). Cytogenetic location: 16p13.3.
Variant type: single nucleotide variant.
Coding change: c.5391C>G on transcript NM_000548.5 (MANE Select); coding-DNA position 5391, C replaced by G.
Protein change: p.Ile1797Met; replaces isoleucine 1797 with methionine.
Molecular consequence: missense variant. On other transcripts: non-coding transcript variant (5).
Genome position (GRCh38, 1-based): chr16:2,088,577, C>G. VCF-style: chr16-2088577-C-G. GRCh37 (hg19) VCF-style: chr16-2138578-C-G.
Other names: c.5190C>G, p.Ile1730Met (NM_001077183.3); c.5322C>G, p.Ile1774Met (NM_001114382.3); c.5082C>G, p.Ile1694Met (NM_001318827.2); c.5046C>G, p.Ile1682Met (NM_001318829.2); c.4659C>G, p.Ile1553Met (NM_001318831.2); c.5223C>G, p.Ile1741Met (NM_001318832.2); c.5193C>G, p.Ile1731Met (NM_001363528.2); c.5259C>G, p.Ile1753Met (NM_001370404.1); and 27 more; short protein forms I1196M, I1282M, I1283M, I1305M, I1306M, I1326M, I1530M, I1531M.
Identifiers: ClinVar variation 2679333 (VCV002679333.4), dbSNP rs571792728, ClinGen allele CA055292.